The following is an entry in ClinVar:

NM_130839.5(UBE3A):c.2488_2491del (p.Asp830fs)

Genes: SNHG14 (small nucleolar RNA host gene 14; plus strand), UBE3A (ubiquitin protein ligase E3A; minus strand). Cytogenetic location: 15q11.2.
Variant type: Deletion.
Coding change: c.2488_2491del on transcript NM_130839.5 (MANE Select); coding-DNA positions 2488 to 2491, 4 bases deleted (GACA; older notation c.2488_2491delGACA).
Protein change: p.Asp830fs; shifts the reading frame from aspartic acid 830.
Molecular consequence: frameshift variant. On other transcripts: non-coding transcript variant (1).
Genome position (GRCh38, 1-based): chr15:25,340,092-25,340,095, TGTC deleted on the plus strand (GACA on the coding strand, the reverse complement: UBE3A is on the minus strand); deleting any 4 consecutive bases within chr15:25,340,092-25,340,097 gives the same sequence; the c. name uses the placement nearest the transcript's 3' end. VCF-style (leftmost placement, unchanged base first): chr15-25340091-GTGTC-G. GRCh37 (hg19) VCF-style: chr15-25585238-GTGTC-G.
Other names: c.2428_2431del, p.Asp810fs (NM_001354523.2, NM_001354526.1, NM_001354539.2 and 14 more transcripts); c.2488_2491del, p.Asp830fs (NM_001354538.2, NM_001354505.1); c.2497_2500del, p.Asp833fs (NM_000462.5); c.2332_2335del, p.Asp778fs (NM_001354545.2); c.2311_2314del, p.Asp771fs (NM_001354546.2); c.2272_2275del, p.Asp758fs (NM_001354547.2, NM_001354548.2); c.2263_2266del, p.Asp755fs (NM_001354549.2); c.1237_1240del, p.Asp413fs (NM_001354550.2); and 1 more; short protein forms D393fs, D413fs, D755fs, D758fs, D771fs, D778fs, D810fs, D830fs.
Identifiers: ClinVar variation 4531492 (VCV004531492.1).

ClinVar aggregate classification (germline): Pathogenic (1 of 4 stars; one submission).

Conditions:
Angelman syndrome (AS). Also called: HAPPY PUPPET SYNDROME. Identifiers: Orphanet 72, MedGen C0162635, MONDO:0007113, OMIM 105830. Disease mechanism: loss of function. Inheritance: AS is caused by disruption of maternally imprinted UBE3A located within the 15q11.2-q13 Angelman syndrome/Prader-Willi syndrome (AS/PWS) region., imprinting disorder.

Submission:

Victorian Clinical Genetics Services, Murdoch Childrens Research Institute
Classification: Pathogenic for Angelman syndrome. Last evaluated: 2025-10-16. Review status: criteria provided, single submitter. Criteria: ACMG Guidelines, 2015. Collection method: clinical testing. Allele origin: germline. Affected: yes.
Comment: This variant is classified as Pathogenic. Evidence in support of pathogenic classification: Variant is predicted to result in a truncated protein (premature termination codon is NOT located at least 54 nucleotides upstream of the final exon-exon junction) with less than 1/3 of the protein sequence affected; Variant is absent from gnomAD (v2, v3 and v4); Other truncating variant(s) comparable to the one identified in this case have very strong previous evidence for pathogenicity (DECIPHER); Additional information: This variant is heterozygous; This gene is associated with autosomal dominant disease; Loss of function is a known mechanism of disease in this gene and is associated with Angelman syndrome (MIM#105830); This gene is known to be imprinted, which results in the silencing of the paternal allele (PMID: 20301323).

Literature cited by the submitters: PubMed 20301323.